The following is an entry in ClinVar:

ClinVar aggregate classification (germline): Uncertain significance (1 of 4 stars; one submission).

Conditions:
Hereditary cancer-predisposing syndrome. Also called: Neoplastic Syndromes, Hereditary; Tumor predisposition; Hereditary Cancer Syndrome; Hereditary neoplastic syndrome. Identifiers: Orphanet 140162, MedGen C0027672, MeSH D009386, MONDO:0015356.

gnomAD v4.1: 1 of 1,614,048 alleles (0.000062%); highest among the groups gnomAD compares: Non-Finnish European, 0.000085%; no homozygotes.

Submission:

Ambry Genetics
Classification: Uncertain significance for Hereditary cancer-predisposing syndrome. Last evaluated: 2026-02-16. Review status: criteria provided, single submitter. Criteria: Ambry Variant Classification Scheme 2023. Collection method: clinical testing. Allele origin: germline.
Comment: The p.I610T variant (also known as c.1829T>C), located in coding exon 14 of the POLD1 gene, results from a T to C substitution at nucleotide position 1829. The isoleucine at codon 610 is replaced by threonine, an amino acid with similar properties. This amino acid position is conserved. In addition, this alteration is predicted to be deleterious by in silico analysis. Based on the available evidence, the clinical significance of this variant remains unclear.

NM_002691.4(POLD1):c.1829T>C (p.Ile610Thr)

Gene: POLD1 (DNA polymerase delta 1, catalytic subunit; plus strand). Cytogenetic location: 19q13.33.
Variant type: single nucleotide variant.
Coding change: c.1829T>C on transcript NM_002691.4 (MANE Select); coding-DNA position 1829, T replaced by C.
Protein change: p.Ile610Thr; replaces isoleucine 610 with threonine.
Molecular consequence: missense variant. On other transcripts: non-coding transcript variant (1).
Genome position (GRCh38, 1-based): chr19:50,408,838, T>C. VCF-style: chr19-50408838-T-C. GRCh37 (hg19) VCF-style: chr19-50912095-T-C.
Other names: c.1829T>C, p.Ile610Thr (NM_001256849.1, NM_001438210.1, NM_001438211.1 and 2 more transcripts); c.1907T>C, p.Ile636Thr (NM_001308632.1); short protein forms I610T, I636T.
Identifiers: ClinVar variation 4844398 (VCV004844398.1).